The following is an entry in ClinVar:

NM_002693.3(POLG):c.2642C>G (p.Pro881Arg)

Gene: POLG (DNA polymerase gamma, catalytic subunit; minus strand). Cytogenetic location: 15q26.1.
Variant type: single nucleotide variant.
Coding change: c.2642C>G on transcript NM_002693.3 (MANE Select); coding-DNA position 2642, C replaced by G.
Protein change: p.Pro881Arg; replaces proline 881 with arginine.
Molecular consequence: missense variant.
Genome position (GRCh38, 1-based): chr15:89,321,217, G>C on the plus strand (C>G on the coding strand, the complement: POLG is on the minus strand). VCF-style: chr15-89321217-G-C. GRCh37 (hg19) VCF-style: chr15-89864448-G-C.
Other names: p.Pro881Arg; c.2642C>G, p.Pro881Arg (NM_001126131.2); short protein forms P881R.
Identifiers: ClinVar variation 4541976 (VCV004541976.1).

ClinVar aggregate classification (germline): Uncertain significance (1 of 4 stars; one submission).

gnomAD v4.1: 1 of 1,614,148 alleles (0.000062%); no homozygotes.

Submission:

Mayo Clinic Laboratories, Mayo Clinic
Classification: Uncertain significance. Last evaluated: 2025-10-10. Review status: criteria provided, single submitter. Criteria: ACMG Guidelines, 2015. Collection method: clinical testing. Allele origin: germline. Observed: 1 variant allele.
Comment: PP3_moderate